The following is an entry in ClinVar:

ClinVar aggregate classification (germline): Uncertain significance (1 of 4 stars; one submission).

Submission:

Labcorp Genetics (formerly Invitae), Labcorp
Classification: Uncertain significance. Last evaluated: 2024-08-20. Review status: criteria provided, single submitter. Criteria: Invitae Variant Classification Sherloc (09022015). Collection method: clinical testing. Allele origin: germline.
Comment: This sequence change replaces glycine, which is neutral and non-polar, with cysteine, which is neutral and slightly polar, at codon 3287 of the DCHS1 protein (p.Gly3287Cys). This variant is not present in population databases (gnomAD no frequency). This variant has not been reported in the literature in individuals affected with DCHS1-related conditions. ClinVar contains an entry for this variant (Variation ID: 1909767). Invitae Evidence Modeling of protein sequence and biophysical properties (such as structural, functional, and spatial information, amino acid conservation, physicochemical variation, residue mobility, and thermodynamic stability) indicates that this missense variant is not expected to disrupt DCHS1 protein function with a negative predictive value of 95%. In summary, the available evidence is currently insufficient to determine the role of this variant in disease. Therefore, it has been classified as a Variant of Uncertain Significance.

NM_003737.4(DCHS1):c.9859G>T (p.Gly3287Cys)

Gene: DCHS1 (dachsous cadherin-related 1; minus strand). Cytogenetic location: 11p15.4.
Variant type: single nucleotide variant.
Coding change: c.9859G>T on transcript NM_003737.4 (MANE Select); coding-DNA position 9859, G replaced by T.
Protein change: p.Gly3287Cys; replaces glycine 3287 with cysteine.
Molecular consequence: missense variant.
Genome position (GRCh38, 1-based): chr11:6,621,817, C>A on the plus strand (G>T on the coding strand, the complement: DCHS1 is on the minus strand). VCF-style: chr11-6621817-C-A. GRCh37 (hg19) VCF-style: chr11-6643048-C-A.
Other names: short protein forms G3287C.
Identifiers: ClinVar variation 1909767 (VCV001909767.5), dbSNP rs1855695634, ClinGen allele CA379477555.
Genomic context (GRCh38, chr11:6,621,817, plus strand): 5'-CGGGGCCCAGCCTGGGCCACAGCTAGATGTGCAGCTCCGTGTCATCAGGTGGCTCCAGGC[C>A]AGACTCTGCGCTGAGTGCTGAGGCTGAGGGACCCTGGGCCACCCCAAATGGTGAGACAAC-3'
Protein context (NP_003728.1, residues 3277-3297): PSASALSAES[Gly3287Cys]LEPPDDTELH